The following is an entry in ClinVar:

NM_001009944.3(PKD1):c.3111A>G (p.Leu1037=)

Gene: PKD1 (polycystin 1, transient receptor potential channel interacting; minus strand). Cytogenetic location: 16p13.3.
Variant type: single nucleotide variant.
Coding change: c.3111A>G on transcript NM_001009944.3 (MANE Select); coding-DNA position 3111, A replaced by G.
Protein change: p.Leu1037=; no amino-acid change (leucine 1037 retained).
Molecular consequence: synonymous variant.
Genome position (GRCh38, 1-based): chr16:2,112,838, T>C on the plus strand (A>G on the coding strand, the complement: PKD1 is on the minus strand). VCF-style: chr16-2112838-T-C. GRCh37 (hg19) VCF-style: chr16-2162839-T-C.
Other names: p.Leu1037=; c.3111A>G, p.Leu1037= (NM_000296.4).
Identifiers: ClinVar variation 256944 (VCV000256944.22), dbSNP rs2099534, ClinGen allele CA7832948.
Genomic context (GRCh38, chr16:2,112,838, plus strand): 5'-AGTCACTCACAGGAAGGCCACCTCCACGGCCGAGTCCACCAGCACGCCCGCCGTCAGTGC[T>C]AGCGTGGCATTGGGGGACAGCACGGCCGGCACTGTGGAGACCTGCAGACCCTGCATCCTG-3'
Protein context (NP_001009944.3, residues 1027-1047): VPAVLSPNAT[Leu1037=]ALTAGVLVDS

ClinVar aggregate classification (germline): Benign. Review status: criteria provided, multiple submitters, no conflicts (2 of 4 stars). 12 submissions from 12 submitters: Benign (9). 3 of the submissions do not count toward it. Last evaluated 2025-03-27.

Conditions:
Autosomal dominant polycystic kidney disease. Identifiers: Orphanet 730, MedGen C0085413, MONDO:0004691.
Polycystic kidney disease, adult type (PKD1). Also called: Polycystic Kidney, Autosomal Dominant; Polycystic Kidney Disease 1, Autosomal Dominant; Polycystic kidney disease 1; Polycystic kidney disease 1, severe; POLYCYSTIC KIDNEY DISEASE 1 WITH OR WITHOUT POLYCYSTIC LIVER DISEASE; POLYCYSTIC KIDNEY DISEASE, ADULT, TYPE I. Identifiers: MedGen C3149841, MONDO:0008263, OMIM 173900.

Allele frequency attached by ClinVar (database versions not stated): 1000 Genomes Project 0.01997; 1000 Genomes Project 30x 0.02155; ExAC 0.03738; gnomAD 0.03768 and 0.03878; gnomAD exomes 0.03775 and 0.05226; TOPMed 0.03812; ESP Exome Variant Server 0.04133.
gnomAD v4.1: 81,252 of 1,599,938 alleles (5.1%); highest among the groups gnomAD compares: Non-Finnish European, 6.1%; 2,591 homozygotes.

Submissions (12):

Women's Health and Genetics/Laboratory Corporation of America, LabCorp
Classification: Benign. Last evaluated: 2025-03-27. Review status: criteria provided, single submitter. Criteria: LabCorp Variant Classification Summary - May 2015. Collection method: clinical testing. Allele origin: germline.

Blueprint Genetics
Classification: Benign. Last evaluated: 2024-11-27. Review status: criteria provided, single submitter. Criteria: ACMG Guidelines, 2015. Collection method: clinical testing. Allele origin: germline.

Mayo Clinic Laboratories, Mayo Clinic
Classification: Benign. Last evaluated: 2022-10-14. Review status: criteria provided, single submitter. Criteria: ACMG Guidelines, 2015. Collection method: clinical testing. Allele origin: germline. Observed: 81 variant alleles.
Comment: BA1, BS2, BP4, BP7

ARUP Laboratories, Molecular Genetics and Genomics, ARUP Laboratories
Classification: Benign for Polycystic kidney disease, adult type. Last evaluated: 2020-04-15. Review status: criteria provided, single submitter. Criteria: ARUP Molecular Germline Variant Investigation Process. Collection method: clinical testing. Allele origin: germline.

GeneDx
Classification: Benign. Last evaluated: 2020-02-13. Review status: criteria provided, single submitter. Criteria: GeneDx Variant Classification Process June 2021. Collection method: clinical testing. Allele origin: germline. Affected: yes.
Comment: This variant is associated with the following publications: (PMID: 10364515, 22383692, 15772804, 11857740, 17574468, 22008521, 18837007)

Molecular Genetics of Inherited Kidney Disorders Laboratory, Garvan Institute of Medical Research
Classification: Benign for Autosomal dominant polycystic kidney disease. Last evaluated: 2019-01-01. Review status: criteria provided, single submitter. Criteria: ACMG Guidelines, 2015. Collection method: research. Allele origin: germline. Affected: yes.

Athena Diagnostics
Classification: Benign for Polycystic kidney disease, adult type. Last evaluated: 2017-06-05. Review status: criteria provided, single submitter. Criteria: Athena Diagnostics Criteria. Collection method: clinical testing. Allele origin: germline.

Breakthrough Genomics
Classification: Benign. Review status: criteria provided, single submitter. Criteria: ACMG Guidelines, 2015. Collection method: not provided. Allele origin: germline. Inheritance: Autosomal dominant inheritance. Affected: yes.

PreventionGenetics, part of Exact Sciences
Classification: Benign. Review status: criteria provided, single submitter. Criteria: ACMG Guidelines, 2015. Collection method: clinical testing. Allele origin: germline.

Department of Pathology and Laboratory Medicine, Sinai Health System
Classification: Benign. Review status: no assertion criteria provided. Collection method: clinical testing. Allele origin: unknown. Affected: yes. Study: The Canadian Open Genetics Repository (COGR). Not counted in ClinVar's aggregate classification.

Joint Genome Diagnostic Labs from Nijmegen and Maastricht, Radboudumc and MUMC+
Classification: Benign. Review status: no assertion criteria provided. Collection method: clinical testing. Allele origin: germline. Affected: yes. Study: VKGL Data-share Consensus. Not counted in ClinVar's aggregate classification.

Laboratory of Diagnostic Genome Analysis, Leiden University Medical Center (LUMC)
Classification: Likely benign. Review status: no assertion criteria provided. Collection method: clinical testing. Allele origin: germline. Affected: yes. Study: VKGL Data-share Consensus. Not counted in ClinVar's aggregate classification.